The following is an entry in ClinVar:

ClinVar aggregate classification (germline): Likely benign. Review status: criteria provided, multiple submitters, no conflicts (2 of 4 stars). 2 submissions from 2 submitters: Likely benign (2). Last evaluated 2026-01-12.

Conditions:
COL18A1-related disorder. Also called: COL18A1-related disorders; COL18A1-related condition.

Allele frequency attached by ClinVar (database versions not stated): ExAC 0.00002; gnomAD exomes 0.00002; gnomAD 0.00006; TOPMed 0.00006; ESP Exome Variant Server 0.00008.
gnomAD v4.1: 32 of 1,612,996 alleles (0.002%); highest among the groups gnomAD compares: African/African-American, 0.016%; no homozygotes.

Submissions (2):

Labcorp Genetics (formerly Invitae), Labcorp
Classification: Likely benign. Last evaluated: 2026-01-12. Review status: criteria provided, single submitter. Criteria: Invitae Variant Classification Sherloc (09022015). Collection method: clinical testing. Allele origin: germline.

PreventionGenetics, part of Exact Sciences
Classification: Likely benign for COL18A1-related condition. Last evaluated: 2025-06-27. Review status: criteria provided, single submitter. Criteria: ACMG Guidelines, 2015. Collection method: clinical testing. Allele origin: germline.
Comment: This variant is classified as likely benign based on ACMG/AMP sequence variant interpretation guidelines (Richards et al. 2015 PMID: 25741868, with internal and published modifications).

NM_001379500.1(COL18A1):c.107-12340C>T

Gene: COL18A1 (collagen type XVIII alpha 1 chain; plus strand). Cytogenetic location: 21q22.3.
Variant type: single nucleotide variant.
Coding change: c.107-12340C>T on transcript NM_001379500.1 (MANE Select); 12340 bases into the intron before coding-DNA position 107, C replaced by T.
Molecular consequence: intron variant. On other transcripts: synonymous variant (2).
Genome position (GRCh38, 1-based): chr21:45,455,902, C>T. VCF-style: chr21-45455902-C-T. GRCh37 (hg19) VCF-style: chr21-46875816-C-T.
Other names: c.372C>T, p.Phe124= (NM_030582.4, NM_130444.3); c.372C>T (NM_030582.3).
Identifiers: ClinVar variation 1645964 (VCV001645964.9), dbSNP rs372080967, ClinGen allele CA10065457.